The following is an entry in ClinVar:

NM_020778.5(ALPK3):c.344C>T (p.Thr115Met)

Gene: ALPK3 (alpha kinase 3; plus strand). Cytogenetic location: 15q25.3.
Variant type: single nucleotide variant.
Coding change: c.344C>T on transcript NM_020778.5 (MANE Select); coding-DNA position 344, C replaced by T.
Protein change: p.Thr115Met; replaces threonine 115 with methionine.
Molecular consequence: missense variant.
Genome position (GRCh38, 1-based): chr15:84,839,019, C>T. VCF-style: chr15-84839019-C-T. GRCh37 (hg19) VCF-style: chr15-85382250-C-T.
Other names: short protein forms T115M.
Identifiers: ClinVar variation 1365262 (VCV001365262.13), dbSNP rs140571556, ClinGen allele CA7708943.

ClinVar aggregate classification (germline): Conflicting classifications of pathogenicity. Review status: criteria provided, conflicting classifications (1 of 4 stars). 4 submissions from 4 submitters: Uncertain significance (3); Likely benign (1). Last evaluated 2026-09-11.

Conditions:
ALPK3-related disorder. Also called: ALPK3-related condition.
Cardiovascular phenotype. Identifiers: MedGen CN230736.

Allele frequency attached by ClinVar (database versions not stated): TOPMed 0.00002; gnomAD 0.00003 and 0.00004; ExAC 0.00004; gnomAD exomes 0.00006; ESP Exome Variant Server 0.00023.
gnomAD v4.1: 20 of 1,613,950 alleles (0.0012%); highest among the groups gnomAD compares: Admixed American, 0.012%; no homozygotes.

Submissions (4):

PreventionGenetics, part of Exact Sciences
Classification: Uncertain significance for ALPK3-related condition. Last evaluated: 2026-09-11. Review status: criteria provided, single submitter. Criteria: ACMG Guidelines, 2015. Collection method: clinical testing. Allele origin: germline.
Comment: The ALPK3 c.950C>T variant is predicted to result in the amino acid substitution p.Thr317Met. To our knowledge, this variant has not been reported in the literature. This variant is reported in 0.023% of alleles in individuals of Latino descent in gnomAD. At this time, the clinical significance of this variant is uncertain due to the absence of conclusive functional and genetic evidence.

Labcorp Genetics (formerly Invitae), Labcorp
Classification: Uncertain significance. Last evaluated: 2025-09-01. Review status: criteria provided, single submitter. Criteria: Invitae Variant Classification Sherloc (09022015). Collection method: clinical testing. Allele origin: germline.
Comment: This sequence change replaces threonine, which is neutral and polar, with methionine, which is neutral and non-polar, at codon 317 of the ALPK3 protein (p.Thr317Met). This variant is present in population databases (rs140571556, gnomAD 0.02%). This variant has not been reported in the literature in individuals affected with ALPK3-related conditions. ClinVar contains an entry for this variant (Variation ID: 1365262). An algorithm developed to predict the effect of missense changes on protein structure and function outputs the following: PolyPhen-2: "Benign". The methionine amino acid residue is found in multiple mammalian species, which suggests that this missense change does not adversely affect protein function. In summary, the available evidence is currently insufficient to determine the role of this variant in disease. Therefore, it has been classified as a Variant of Uncertain Significance.

Ambry Genetics
Classification: Likely benign for Cardiovascular phenotype. Last evaluated: 2025-06-18. Review status: criteria provided, single submitter. Criteria: Ambry Variant Classification Scheme 2023. Collection method: clinical testing. Allele origin: germline.

GeneDx
Classification: Uncertain significance. Last evaluated: 2024-05-07. Review status: criteria provided, single submitter. Criteria: GeneDx Variant Classification Process June 2021. Collection method: clinical testing. Allele origin: germline. Affected: yes.
Comment: In silico analysis indicates that this missense variant does not alter protein structure/function; Has not been previously published as pathogenic or benign to our knowledge